The following is an entry in ClinVar:

ClinVar aggregate classification (germline): Likely benign (0 of 4 stars; one submission).

Conditions:
SOHLH1-related disorder. Also called: SOHLH1-related condition.

Allele frequency attached by ClinVar (database versions not stated): gnomAD 0.00009; TOPMed 0.00011; ExAC 0.00017; gnomAD exomes 0.00020; ESP Exome Variant Server 0.00023.
gnomAD v4.1: 298 of 1,612,972 alleles (0.018%); highest among the groups gnomAD compares: Admixed American, 0.057%; no homozygotes.

Submission:

PreventionGenetics, part of Exact Sciences
Classification: Likely benign for SOHLH1-related condition. Last evaluated: 2019-11-20. Review status: no assertion criteria provided. Collection method: clinical testing. Allele origin: germline.
Comment: This variant is classified as likely benign based on ACMG/AMP sequence variant interpretation guidelines (Richards et al. 2015 PMID: 25741868, with internal and published modifications).

NM_001101677.2(SOHLH1):c.883T>C (p.Leu295=)

Gene: SOHLH1 (spermatogenesis and oogenesis specific basic helix-loop-helix 1; minus strand). Cytogenetic location: 9q34.3.
Variant type: single nucleotide variant.
Coding change: c.883T>C on transcript NM_001101677.2 (MANE Select); coding-DNA position 883, T replaced by C.
Protein change: p.Leu295=; no amino-acid change (leucine 295 retained).
Molecular consequence: synonymous variant.
Genome position (GRCh38, 1-based): chr9:135,694,450, A>G on the plus strand (T>C on the coding strand, the complement: SOHLH1 is on the minus strand). VCF-style: chr9-135694450-A-G. GRCh37 (hg19) VCF-style: chr9-138586296-A-G.
Other names: c.883T>C, p.Leu295= (NM_001012415.3).
Identifiers: ClinVar variation 3048875 (VCV003048875.2), dbSNP rs374426154, ClinGen allele CA5325709.